The following is an entry in ClinVar:

NM_001330691.3(CEP78):c.323T>G (p.Leu108Trp)

Gene: CEP78 (centrosomal protein 78; plus strand). Cytogenetic location: 9q21.2.
Variant type: single nucleotide variant.
Coding change: c.323T>G on transcript NM_001330691.3 (MANE Select); coding-DNA position 323, T replaced by G.
Protein change: p.Leu108Trp; replaces leucine 108 with tryptophan.
Molecular consequence: missense variant.
Genome position (GRCh38, 1-based): chr9:78,240,092, T>G. VCF-style: chr9-78240092-T-G. GRCh37 (hg19) VCF-style: chr9-80855008-T-G.
Other names: c.323T>G, p.Leu108Trp (NM_001098802.3, NM_001330693.3, NM_001330694.2 and 4 more transcripts); short protein forms L108W.
Identifiers: ClinVar variation 866175 (VCV000866175.9), dbSNP rs1042726781, ClinGen allele CA194769442.

ClinVar aggregate classification (germline): Likely pathogenic. Review status: criteria provided, multiple submitters, no conflicts (2 of 4 stars). 3 submissions from 3 submitters: Likely pathogenic (3). Last evaluated 2024-05-20.

Conditions:
CEP78-related disorder. Also called: CEP78-related condition.
Retinal dystrophy. Also called: Inherited retinal dystrophy. Identifiers: Orphanet 71862, MedGen C0854723, MeSH D058499, MONDO:0019118, HP:0000556.

Allele frequency attached by ClinVar (database versions not stated): gnomAD exomes below 0.00001; gnomAD 0.00001; TOPMed 0.00001.
gnomAD v4.1: 6 of 1,584,898 alleles (0.00038%); highest among the groups gnomAD compares: Non-Finnish European, 0.00051%; no homozygotes.

Submissions (3):

Labcorp Genetics (formerly Invitae), Labcorp
Classification: Likely pathogenic. Last evaluated: 2024-05-20. Review status: criteria provided, single submitter. Criteria: Invitae Variant Classification Sherloc (09022015). Collection method: clinical testing. Allele origin: germline.
Comment: This sequence change replaces leucine, which is neutral and non-polar, with tryptophan, which is neutral and slightly polar, at codon 108 of the CEP78 protein (p.Leu108Trp). This variant is not present in population databases (gnomAD no frequency). This missense change has been observed in individual(s) with clinical features of CEP78-related conditions (PMID: 34223797; Invitae). In at least one individual the data is consistent with being in trans (on the opposite chromosome) from a pathogenic variant. ClinVar contains an entry for this variant (Variation ID: 866175). Advanced modeling of protein sequence and biophysical properties (such as structural, functional, and spatial information, amino acid conservation, physicochemical variation, residue mobility, and thermodynamic stability) performed at Invitae indicates that this missense variant is expected to disrupt CEP78 protein function with a positive predictive value of 80%. In summary, the currently available evidence indicates that the variant is pathogenic, but additional data are needed to prove that conclusively. Therefore, this variant has been classified as Likely Pathogenic.

Institute of Human Genetics, Univ. Regensburg, Univ. Regensburg
Classification: Likely pathogenic for Retinal dystrophy. Last evaluated: 2022-01-01. Review status: criteria provided, single submitter. Criteria: ACMG Guidelines, 2015. Collection method: clinical testing. Allele origin: germline. Affected: yes.

Blueprint Genetics
Classification: Likely pathogenic for CEP78-related disorders. Last evaluated: 2020-01-08. Review status: criteria provided, single submitter. Criteria: ACMG Guidelines, 2015. Collection method: clinical testing. Allele origin: germline. Affected: yes. Observed: 2 variant alleles.

Literature cited by the submitters: PubMed 34223797 (cited by Labcorp Genetics (formerly Invitae), Labcorp and Institute of Human Genetics, Univ. Regensburg, Univ. Regensburg).